The following is an entry in ClinVar:

NM_004655.4(AXIN2):c.317A>G (p.Asp106Gly)

Gene: AXIN2 (axin 2; minus strand). Cytogenetic location: 17q24.1.
Variant type: single nucleotide variant.
Coding change: c.317A>G on transcript NM_004655.4 (MANE Select); coding-DNA position 317, A replaced by G.
Protein change: p.Asp106Gly; replaces aspartic acid 106 with glycine.
Molecular consequence: missense variant.
Genome position (GRCh38, 1-based): chr17:65,558,304, T>C on the plus strand (A>G on the coding strand, the complement: AXIN2 is on the minus strand). VCF-style: chr17-65558304-T-C. GRCh37 (hg19) VCF-style: chr17-63554422-T-C.
Other names: c.317A>G, p.Asp106Gly (NM_001363813.1); short protein forms D106G.
Identifiers: ClinVar variation 2856488 (VCV002856488.3), dbSNP rs2544252377, ClinGen allele CA400681669.

ClinVar aggregate classification (germline): Uncertain significance (1 of 4 stars; one submission).

Conditions:
Oligodontia-cancer predisposition syndrome. Also called: TOOTH AGENESIS-COLORECTAL CANCER SYNDROME. Identifiers: MedGen C1837750, MONDO:0012075, OMIM 608615, Orphanet 300576. Disease mechanism: loss of function.

Submission:

Labcorp Genetics (formerly Invitae), Labcorp
Classification: Uncertain significance for Oligodontia-cancer predisposition syndrome. Last evaluated: 2023-04-15. Review status: criteria provided, single submitter. Criteria: Invitae Variant Classification Sherloc (09022015). Collection method: clinical testing. Allele origin: germline.
Comment: This variant is not present in population databases (gnomAD no frequency). This sequence change replaces aspartic acid, which is acidic and polar, with glycine, which is neutral and non-polar, at codon 106 of the AXIN2 protein (p.Asp106Gly). This variant has not been reported in the literature in individuals affected with AXIN2-related conditions. Advanced modeling of protein sequence and biophysical properties (such as structural, functional, and spatial information, amino acid conservation, physicochemical variation, residue mobility, and thermodynamic stability) performed at Invitae indicates that this missense variant is expected to disrupt AXIN2 protein function. In summary, the available evidence is currently insufficient to determine the role of this variant in disease. Therefore, it has been classified as a Variant of Uncertain Significance.